The following is an entry in ClinVar:

ClinVar aggregate classification (germline): Uncertain significance (1 of 4 stars; one submission).

gnomAD v4.1: 1 of 1,614,118 alleles (0.000062%); highest among the groups gnomAD compares: Admixed American, 0.0017%; no homozygotes.

Submission:

Labcorp Genetics (formerly Invitae), Labcorp
Classification: Uncertain significance. Last evaluated: 2024-11-04. Review status: criteria provided, single submitter. Criteria: Invitae Variant Classification Sherloc (09022015). Collection method: clinical testing. Allele origin: germline.
Comment: This sequence change creates a premature translational stop signal (p.Gln2600*) in the ATR gene. While this is not anticipated to result in nonsense mediated decay, it is expected to disrupt the last 45 amino acid(s) of the ATR protein. This variant is not present in population databases (gnomAD no frequency). This variant has not been reported in the literature in individuals affected with ATR-related conditions. In summary, the available evidence is currently insufficient to determine the role of this variant in disease. Therefore, it has been classified as a Variant of Uncertain Significance.

NM_001184.4(ATR):c.7798C>T (p.Gln2600Ter)

Gene: ATR (ATR checkpoint kinase; minus strand). Cytogenetic location: 3q23.
Variant type: single nucleotide variant.
Coding change: c.7798C>T on transcript NM_001184.4 (MANE Select); coding-DNA position 7798, C replaced by T.
Protein change: p.Gln2600Ter; replaces glutamine 2600 with a stop codon.
Molecular consequence: nonsense.
Genome position (GRCh38, 1-based): chr3:142,449,566, G>A on the plus strand (C>T on the coding strand, the complement: ATR is on the minus strand). VCF-style: chr3-142449566-G-A. GRCh37 (hg19) VCF-style: chr3-142168408-G-A.
Other names: c.7606C>T, p.Gln2536Ter (NM_001354579.2); short protein forms Q2600*, Q2536*.
Identifiers: ClinVar variation 3719252 (VCV003719252.2).
Genomic context (GRCh38, chr3:142,449,566, plus strand): 5'-CATGTCCTTCAATAGATAACGGCAGTCCTGTCACTCTATTTCGAGTCTTGATTACACCTT[G>A]TAGTCGCTGCTCAATGTCAAGAACATGGGTCTTGGCCTAAAAAGAAGAAACATAAAACCA-3'